The following is an entry in ClinVar:

NM_032444.4(SLX4):c.55C>T (p.His19Tyr)

Gene: SLX4 (SLX4 structure-specific endonuclease subunit; minus strand). Cytogenetic location: 16p13.3.
Variant type: single nucleotide variant.
Coding change: c.55C>T on transcript NM_032444.4 (MANE Select); coding-DNA position 55, C replaced by T.
Protein change: p.His19Tyr; replaces histidine 19 with tyrosine.
Molecular consequence: missense variant.
Genome position (GRCh38, 1-based): chr16:3,608,910, G>A on the plus strand (C>T on the coding strand, the complement: SLX4 is on the minus strand). VCF-style: chr16-3608910-G-A. GRCh37 (hg19) VCF-style: chr16-3658911-G-A.
Other names: short protein forms H19Y.
Identifiers: ClinVar variation 1986139 (VCV001986139.2), dbSNP rs2040817454, ClinGen allele CA394548053.
Genomic context (GRCh38, chr16:3,608,910, plus strand): 5'-TAAGGCTTTCAGGCTGGTCTTCAGAGGAGCGAGGGTCAATCCCAGGACAGGCAGACAGAT[G>A]AGAAAGTGAACCCAAGTAGAAGCCTAGCTGAGCCTCATTCACACTCAGTTTCATTAGGGT-3'
Protein context (NP_115820.2, residues 9-29): QLGFYLGSLS[His19Tyr]LSACPGIDPR

ClinVar aggregate classification (germline): Uncertain significance. Review status: criteria provided, multiple submitters, no conflicts (2 of 4 stars). 2 submissions from 2 submitters: Uncertain significance (2). Last evaluated 2024-10-29.

Conditions:
Fanconi anemia (FA). Also called: Fanconi's anemia. Identifiers: Orphanet 84, MedGen C0015625, MeSH D005199, MONDO:0019391.
Inborn genetic diseases. Identifiers: MedGen C0950123, MeSH D030342.

Allele frequency attached by ClinVar (database versions not stated): gnomAD exomes below 0.00001; TOPMed below 0.00001.

Submissions (2):

Ambry Genetics
Classification: Uncertain significance for Inborn genetic diseases. Last evaluated: 2024-10-29. Review status: criteria provided, single submitter. Criteria: Ambry Variant Classification Scheme 2023. Collection method: clinical testing. Allele origin: germline.

Labcorp Genetics (formerly Invitae), Labcorp
Classification: Uncertain significance for Fanconi anemia. Last evaluated: 2021-12-17. Review status: criteria provided, single submitter. Criteria: Invitae Variant Classification Sherloc (09022015). Collection method: clinical testing. Allele origin: germline.
Comment: This sequence change replaces histidine, which is basic and polar, with tyrosine, which is neutral and polar, at codon 19 of the SLX4 protein (p.His19Tyr). This variant is not present in population databases (gnomAD no frequency). This variant has not been reported in the literature in individuals affected with SLX4-related conditions. Algorithms developed to predict the effect of missense changes on protein structure and function are either unavailable or do not agree on the potential impact of this missense change (SIFT: "Deleterious"; PolyPhen-2: "Benign"; Align-GVGD: "Class C0"). In summary, the available evidence is currently insufficient to determine the role of this variant in disease. Therefore, it has been classified as a Variant of Uncertain Significance.